The following is an entry in ClinVar:

NM_017841.4(SDHAF2):c.370+4C>A

Gene: SDHAF2 (succinate dehydrogenase complex assembly factor 2; plus strand). Cytogenetic location: 11q12.2.
Variant type: single nucleotide variant.
Coding change: c.370+4C>A on transcript NM_017841.4 (MANE Select); 4 bases into the intron after coding-DNA position 370, C replaced by A.
Molecular consequence: intron variant.
Genome position (GRCh38, 1-based): chr11:61,438,117, C>A. VCF-style: chr11-61438117-C-A. GRCh37 (hg19) VCF-style: chr11-61205589-C-A.
Identifiers: ClinVar variation 1734097 (VCV001734097.2), dbSNP rs758935566, ClinGen allele CA380684263.
Genomic context (GRCh38, chr11:61,438,117, plus strand): 5'-ATGACCGCCTGATTAACGAGCCTAGTAATGACTGGGATATTTACTACTGGGCCACAGGTA[C>A]TGGGTATGATAAGCAGCATAATGTGAAAATAGGACAGTTTAGGCTGATTTGAGTCTAGAA-3'

ClinVar aggregate classification (germline): Uncertain significance (1 of 4 stars; one submission).

Conditions:
Hereditary cancer-predisposing syndrome. Also called: Neoplastic Syndromes, Hereditary; Tumor predisposition; Hereditary Cancer Syndrome; Hereditary neoplastic syndrome. Identifiers: Orphanet 140162, MedGen C0027672, MeSH D009386, MONDO:0015356.

Submission:

Ambry Genetics
Classification: Uncertain significance for Hereditary cancer-predisposing syndrome. Last evaluated: 2021-02-23. Review status: criteria provided, single submitter. Criteria: Ambry Variant Classification Scheme 2023. Collection method: clinical testing. Allele origin: germline.
Comment: The c.370+4C>A intronic variant results from a C to A substitution 4 nucleotides after coding exon 3 in the SDHAF2 gene. This nucleotide position is well conserved in available vertebrate species. In silico splice site analysis predicts that this alteration will not have any significant effect on splicing. Since supporting evidence is limited at this time, the clinical significance of this alteration remains unclear.